The following is an entry in ClinVar:

NM_004415.4(DSP):c.1695C>T (p.Ile565=)

Gene: DSP (desmoplakin; plus strand). Cytogenetic location: 6p24.3.
Variant type: single nucleotide variant.
Coding change: c.1695C>T on transcript NM_004415.4 (MANE Select); coding-DNA position 1695, C replaced by T.
Protein change: p.Ile565=; no amino-acid change (isoleucine 565 retained).
Molecular consequence: synonymous variant.
Genome position (GRCh38, 1-based): chr6:7,570,557, C>T. VCF-style: chr6-7570557-C-T. GRCh37 (hg19) VCF-style: chr6-7570790-C-T.
Other names: c.1695C>T, p.Ile565= (NM_001008844.3, NM_001319034.2); c.1695C>T (LRG_423t1).
Identifiers: ClinVar variation 519040 (VCV000519040.20), dbSNP rs752714010, ClinGen allele CA029276.

ClinVar aggregate classification (germline): Benign/Likely benign. Review status: criteria provided, multiple submitters, no conflicts (2 of 4 stars). 5 submissions from 5 submitters: Benign (1); Likely benign (4). Last evaluated 2026-01-18.

Conditions:
Cardiovascular phenotype. Identifiers: MedGen CN230736.
Arrhythmogenic right ventricular dysplasia 8 (ARVD8). Also called: Arrhythmogenic Right Ventricular Dysplasia/Cardiomyopathy 8; ARRHYTHMOGENIC RIGHT VENTRICULAR DYSPLASIA, FAMILIAL, 8; ARRHYTHMOGENIC RIGHT VENTRICULAR CARDIOMYOPATHY 8. Identifiers: MedGen C1843896, MONDO:0011831, OMIM 607450.
Arrhythmogenic cardiomyopathy with wooly hair and keratoderma. Also called: PALMOPLANTAR KERATODERMA WITH LEFT VENTRICULAR CARDIOMYOPATHY AND WOOLLY HAIR; Carvajal syndrome; Dilated cardiomyopathy with woolly hair and keratoderma; Arrhythmogenic cardiomyopathy with woolly hair and keratoderma. Identifiers: Orphanet 65282, MedGen C1854063, MONDO:0011581, OMIM 605676.
Cardiomyopathy (CMYO). Also called: Cardiomyopathies. Identifiers: Orphanet 167848, MedGen C0878544, MONDO:0004994, HP:0001638. Inheritance: Various modes of inheritance.

Allele frequency attached by ClinVar (database versions not stated): gnomAD exomes 0.00001 and 0.00010; gnomAD 0.00003; TOPMed 0.00006; ExAC 0.00015.
gnomAD v4.1: 22 of 1,612,980 alleles (0.0014%); highest among the groups gnomAD compares: East Asian, 0.031%; no homozygotes.

Submissions (5):

Labcorp Genetics (formerly Invitae), Labcorp
Classification: Benign for Arrhythmogenic cardiomyopathy with wooly hair and keratoderma; Arrhythmogenic right ventricular dysplasia 8. Last evaluated: 2026-01-18. Review status: criteria provided, single submitter. Criteria: Invitae Variant Classification Sherloc (09022015). Collection method: clinical testing. Allele origin: germline.

Blueprint Genetics
Classification: Likely benign. Last evaluated: 2024-05-28. Review status: criteria provided, single submitter. Criteria: ACMG Guidelines, 2015. Collection method: clinical testing. Allele origin: germline.

All of Us Research Program, National Institutes of Health
Classification: Likely benign for Arrhythmogenic cardiomyopathy with wooly hair and keratoderma. Last evaluated: 2023-11-30. Review status: criteria provided, single submitter. Criteria: ACMG Guidelines, 2015. Collection method: clinical testing. Allele origin: germline. Inheritance: Autosomal dominant inheritance. Observed: 2 variant alleles, 2 heterozygotes.
Comment: This study involves interpretation of variants in research participants for the purpose of population health screening. Participant phenotype was not available at the time of variant classification. Additional details can be found in publication PMID: 35346344, PMCID: PMC8962531

Color Diagnostics, LLC DBA Color Health
Classification: Likely benign for Cardiomyopathy. Last evaluated: 2018-09-17. Review status: criteria provided, single submitter. Criteria: ACMG Guidelines, 2015. Collection method: clinical testing. Allele origin: germline.

Ambry Genetics
Classification: Likely benign for Cardiovascular phenotype. Last evaluated: 2017-09-22. Review status: criteria provided, single submitter. Criteria: Ambry Variant Classification Scheme 2023. Collection method: clinical testing. Allele origin: germline.